The following is an entry in ClinVar:

NM_001308093.3(GATA4):c.832A>C (p.Thr278Pro)

Gene: GATA4 (GATA binding protein 4). Cytogenetic location: 8p23.1.
Variant type: single nucleotide variant.
Coding change: c.832A>C on transcript NM_001308093.3 (MANE Select); coding-DNA position 832, A replaced by C.
Protein change: p.Thr278Pro; replaces threonine 278 with proline.
Molecular consequence: missense variant. On other transcripts: intron variant (1).
Genome position (GRCh38, 1-based): chr8:11,750,156, A>C. VCF-style: chr8-11750156-A-C. GRCh37 (hg19) VCF-style: chr8-11607665-A-C.
Other names: c.165+1071A>C (NM_001374274.1); c.211A>C, p.Thr71Pro (NM_001308094.2, NM_001374273.1); c.829A>C, p.Thr277Pro (NM_002052.5); short protein forms T277P, T278P, T71P.
Identifiers: ClinVar variation 3693677 (VCV003693677.2).

ClinVar aggregate classification (germline): Uncertain significance (1 of 4 stars; one submission).

Conditions:
Atrioventricular septal defect 4 (AVSD4). Identifiers: MedGen C3280781, MONDO:0013747, OMIM 614430.

gnomAD v4.1: 3 of 1,613,840 alleles (0.00019%); highest among the groups gnomAD compares: African/African-American, 0.004%; no homozygotes.

Submission:

Labcorp Genetics (formerly Invitae), Labcorp
Classification: Uncertain significance for Atrioventricular septal defect 4. Last evaluated: 2025-03-14. Review status: criteria provided, single submitter. Criteria: Invitae Variant Classification Sherloc (09022015). Collection method: clinical testing. Allele origin: germline.
Comment: This sequence change replaces threonine, which is neutral and polar, with proline, which is neutral and non-polar, at codon 277 of the GATA4 protein (p.Thr277Pro). This variant is present in population databases (rs761129819, gnomAD 0.01%). This variant has not been reported in the literature in individuals affected with GATA4-related conditions. Invitae Evidence Modeling of protein sequence and biophysical properties (such as structural, functional, and spatial information, amino acid conservation, physicochemical variation, residue mobility, and thermodynamic stability) has been performed for this missense variant. However, the output from this modeling did not meet the statistical confidence thresholds required to predict the impact of this variant on GATA4 protein function. In summary, the available evidence is currently insufficient to determine the role of this variant in disease. Therefore, it has been classified as a Variant of Uncertain Significance.